The following is an entry in ClinVar:

NM_004168.4(SDHA):c.621+3A>G

Gene: SDHA (succinate dehydrogenase complex flavoprotein subunit A; plus strand). Cytogenetic location: 5p15.33.
Variant type: single nucleotide variant.
Coding change: c.621+3A>G on transcript NM_004168.4 (MANE Select); 3 bases into the intron after coding-DNA position 621, A replaced by G.
Molecular consequence: intron variant.
Genome position (GRCh38, 1-based): chr5:226,050, A>G. VCF-style: chr5-226050-A-G. GRCh37 (hg19) VCF-style: chr5-226165-A-G.
Other names: c.621+3A>G (NM_004168.2, NM_001330758.2); c.477+3A>G (NM_001294332.2).
Identifiers: ClinVar variation 2926066 (VCV002926066.4), dbSNP rs2477301469, ClinGen allele CA2740091604.

ClinVar aggregate classification (germline): Uncertain significance. Review status: criteria provided, multiple submitters, no conflicts (2 of 4 stars). 2 submissions from 2 submitters: Uncertain significance (2). Last evaluated 2025-07-30.

Conditions:
Mitochondrial complex II deficiency, nuclear type 1. Also called: SUCCINATE CoQ REDUCTASE DEFICIENCY. Identifiers: Orphanet 3208, MedGen C5700310, MONDO:0100294, OMIM 252011.
Pheochromocytoma/paraganglioma syndrome 5. Also called: Paragangliomas 5; SDHA-Related Hereditary Paraganglioma-Pheochromocytoma Syndrome. Identifiers: Orphanet 29072, MedGen C3279992, MONDO:0013602, OMIM 614165.
Hereditary cancer-predisposing syndrome. Also called: Neoplastic Syndromes, Hereditary; Tumor predisposition; Hereditary Cancer Syndrome; Hereditary neoplastic syndrome. Identifiers: Orphanet 140162, MedGen C0027672, MeSH D009386, MONDO:0015356.

Submissions (2):

Ambry Genetics
Classification: Uncertain significance for Hereditary cancer-predisposing syndrome. Last evaluated: 2025-07-30. Review status: criteria provided, single submitter. Criteria: Ambry Variant Classification Scheme 2023. Collection method: clinical testing. Allele origin: germline.
Comment: The c.621+3A>G intronic variant results from an A to G substitution 3 nucleotides after coding exon 5 in the SDHA gene. This nucleotide position is not well conserved in available vertebrate species. In silico splice site analysis predicts that this alteration will not have any significant effect on splicing. Based on the available evidence, the clinical significance of this variant remains unclear.

Labcorp Genetics (formerly Invitae), Labcorp
Classification: Uncertain significance for Pheochromocytoma/paraganglioma syndrome 5; Mitochondrial complex II deficiency, nuclear type 1. Last evaluated: 2024-01-18. Review status: criteria provided, single submitter. Criteria: Invitae Variant Classification Sherloc (09022015). Collection method: clinical testing. Allele origin: germline.
Comment: This sequence change falls in intron 5 of the SDHA gene. It does not directly change the encoded amino acid sequence of the SDHA protein. It affects a nucleotide within the consensus splice site. This variant is not present in population databases (gnomAD no frequency). This variant has not been reported in the literature in individuals affected with SDHA-related conditions. Variants that disrupt the consensus splice site are a relatively common cause of aberrant splicing (PMID: 17576681, 9536098). Algorithms developed to predict the effect of sequence changes on RNA splicing suggest that this variant is not likely to affect RNA splicing. In summary, the available evidence is currently insufficient to determine the role of this variant in disease. Therefore, it has been classified as a Variant of Uncertain Significance.

Literature cited by the submitters: PubMed 17576681 (cited by Labcorp Genetics (formerly Invitae), Labcorp); PubMed 9536098 (cited by Labcorp Genetics (formerly Invitae), Labcorp).